The following is an entry in ClinVar:

NM_002715.4(PPP2CA):c.491del (p.Phe164fs)

Gene: PPP2CA (protein phosphatase 2 catalytic subunit alpha; minus strand). Cytogenetic location: 5q31.1.
Variant type: Deletion.
Coding change: c.491del on transcript NM_002715.4 (MANE Select); coding-DNA position 491, one base deleted (T; older notation c.491delT).
Protein change: p.Phe164fs; shifts the reading frame from phenylalanine 164.
Molecular consequence: frameshift variant. On other transcripts: non-coding transcript variant (1).
Genome position (GRCh38, 1-based): chr5:134,201,070, A deleted on the plus strand (T on the coding strand, the reverse complement: PPP2CA is on the minus strand); the first of 2 consecutive A bases (chr5:134,201,070-134,201,071); deleting either gives the same sequence. VCF-style (leftmost placement, unchanged base first): chr5-134201069-GA-G. GRCh37 (hg19) VCF-style: chr5-133536760-GA-G.
Other names: c.296del, p.Phe99fs (NM_001355019.2); short protein forms F164fs, F99fs.
Identifiers: ClinVar variation 1710068 (VCV001710068.2), dbSNP rs2481049691, ClinGen allele CA2580072772.

ClinVar aggregate classification (germline): Likely pathogenic (1 of 4 stars; one submission).

Conditions:
Houge-Janssens syndrome 3. Also called: NEURODEVELOPMENTAL DISORDER AND LANGUAGE DELAY WITH OR WITHOUT STRUCTURAL BRAIN ABNORMALITIES. Identifiers: MedGen C5193048, MONDO:0032697, OMIM 618354.

Submission:

MGZ Medical Genetics Center
Classification: Likely pathogenic for Houge-Janssens syndrome 3. Last evaluated: 2022-02-10. Review status: criteria provided, single submitter. Criteria: ACMG Guidelines, 2015. Collection method: clinical testing. Allele origin: germline. Affected: yes. Observed: 1 variant allele.
Comment: ACMG criteria applied: PVS1, PM2_SUP